The following is an entry in ClinVar:

ClinVar aggregate classification (germline): Pathogenic (1 of 4 stars; one submission).

Submission:

ARUP Laboratories, Molecular Genetics and Genomics, ARUP Laboratories
Classification: Pathogenic. Last evaluated: 2018-12-09. Review status: criteria provided, single submitter. Criteria: ARUP Molecular Germline Variant Investigation Process. Collection method: clinical testing. Allele origin: germline.
Comment: The F9 c.226G>A; p.Glu76Lys variant, also known as p.Glu30Lys, is reported in the literature in two individuals affected with severe hemophilia B (Ketterling 1993, Chavali 2009, Factor IX database). This variant is absent from general population databases (1000 Genomes Project, Exome Variant Server, and Genome Aggregation Database), indicating it is not a common polymorphism. Additionally, other amino acid substitutions at this codon (Ala, Asp, and Gln) have been reported in individuals with hemophilia B and are considered pathogenic (Rydz 2013, Factor IX database and references therein). The glutamic acid at codon 76 is highly conserved, and computational analyses (SIFT, PolyPhen-2) predict that this variant is deleterious. REFERENCES Link to Factor IX database: Chavali S et al. Hemophilia B is a quasi-quantitative condition with certain mutations showing phenotypic plasticity. Genomics. 2009Dec;94(6):433-7. Ketterling RP et al. Germ-line origins of mutation in families with hemophilia B: the sex ratio varies with the type of mutation. Am J Hum Genet. 1993 Jan;52(1):152-66. Rydz N et al. The Canadian National Program for hemophilia mutation testing" database: a ten-year review. Am J Hematol. 2013 Dec;88(12):1030-4. "

NM_000133.4(F9):c.226G>A (p.Glu76Lys)

Gene: F9 (coagulation factor IX; plus strand). Cytogenetic location: Xq27.1.
Variant type: single nucleotide variant.
Coding change: c.226G>A on transcript NM_000133.4 (MANE Select); coding-DNA position 226, G replaced by A.
Protein change: p.Glu76Lys; replaces glutamic acid 76 with lysine.
Molecular consequence: missense variant.
Genome position (GRCh38, 1-based): chrX:139,537,147, G>A. VCF-style: chrX-139537147-G-A. GRCh37 (hg19) VCF-style: chrX-138619306-G-A.
Other names: c.226G>A, p.Glu76Lys (NM_001313913.2); short protein forms E76K.
Identifiers: ClinVar variation 811519 (VCV000811519.8), dbSNP rs1603264236, ClinGen allele CA414436158.
Genomic context (GRCh38, chrX:139,537,147, plus strand): 5'-GTTCAAGGGAACCTTGAGAGAGAATGTATGGAAGAAAAGTGTAGTTTTGAAGAAGCACGA[G>A]AAGTTTTTGAAAACACTGAAAGAACAGTGAGTATTTCCACATAATACCCTTCAGATGCAG-3'
Protein context (NP_000124.1, residues 66-86): EEKCSFEEAR[Glu76Lys]VFENTERTTE